The following is an entry in ClinVar:

ClinVar aggregate classification (germline): Uncertain significance (1 of 4 stars; one submission).

gnomAD v4.1: 3 of 1,210,526 alleles (0.00025%); highest among the groups gnomAD compares: Admixed American, 0.0065%; no homozygotes.

Submission:

CeGaT Center for Human Genetics Tuebingen
Classification: Uncertain significance. Last evaluated: 2026-08-01. Review status: criteria provided, single submitter. Criteria: CeGaT Center For Human Genetics Tuebingen Variant Classification Criteria Version 2. Collection method: clinical testing. Allele origin: germline. Affected: yes. Observed: 1 variant allele.
Comment: IRS4: PM2

NM_001379150.1(IRS4):c.296A>G (p.Lys99Arg)

Gene: IRS4 (insulin receptor substrate 4; minus strand). Cytogenetic location: Xq22.3.
Variant type: single nucleotide variant.
Coding change: c.296A>G on transcript NM_001379150.1 (MANE Select); coding-DNA position 296, A replaced by G.
Protein change: p.Lys99Arg; replaces lysine 99 with arginine.
Molecular consequence: missense variant.
Genome position (GRCh38, 1-based): chrX:108,736,049, T>C on the plus strand (A>G on the coding strand, the complement: IRS4 is on the minus strand). VCF-style: chrX-108736049-T-C. GRCh37 (hg19) VCF-style: chrX-107979279-T-C.
Other names: c.296A>G, p.Lys99Arg (NM_001440817.1, NM_003604.2); short protein forms K99R.
Identifiers: ClinVar variation 5040571 (VCV005040571.1).
Genomic context (GRCh38, chrX:108,736,049, plus strand): 5'-CGGAACTTCCTGGCATTTTCGTAGTATTCCAGCCGAGCTGGGGCGTCAGCAGTCTCGAGT[T>C]TGAGCACGAAGTAGCGCCTGTGCCCATGCTTCTGTTTCCGCAGGTAGCCGCGTTTGCAGA-3'
Protein context (NP_001366079.1, residues 89-109): KHGHRRYFVL[Lys99Arg]LETADAPARL